The following is an entry in ClinVar:

NM_001372051.1(CASP8):c.1353C>A (p.Ser451Arg)

Gene: CASP8 (caspase 8; plus strand). Cytogenetic location: 2q33.1.
Variant type: single nucleotide variant.
Coding change: c.1353C>A on transcript NM_001372051.1 (MANE Select); coding-DNA position 1353, C replaced by A.
Protein change: p.Ser451Arg; replaces serine 451 with arginine.
Molecular consequence: missense variant. On other transcripts: non-coding transcript variant (22).
Genome position (GRCh38, 1-based): chr2:201,286,507, C>A. VCF-style: chr2-201286507-C-A. GRCh37 (hg19) VCF-style: chr2-202151230-C-A.
Other names: c.711C>A, p.Ser237Arg (NM_001400677.1, NM_001400678.1, NM_001400751.1 and 2 more transcripts); c.738C>A, p.Ser246Arg (NM_001400680.1, NM_001400674.1); c.756C>A, p.Ser252Arg (NM_001400750.1, NM_001400671.1, NM_001400672.1 and 1 more transcripts); c.1353C>A, p.Ser451Arg (NM_033355.4, NM_001400648.1, NM_001400651.1 and 5 more transcripts); c.1308C>A, p.Ser436Arg (NM_033356.4, NM_001080124.2, NM_001400658.1 and 5 more transcripts); c.1530C>A, p.Ser510Arg (NM_001080125.2); c.1404C>A, p.Ser468Arg (NM_001228.5); c.1485C>A, p.Ser495Arg (NM_001400642.1); and 7 more; short protein forms S237R, S428R, S436R, S462R, S348R, S367R, S382R, S426R.
Identifiers: ClinVar variation 3637956 (VCV003637956.2).

ClinVar aggregate classification (germline): Uncertain significance (1 of 4 stars; one submission).

Conditions:
Autoimmune lymphoproliferative syndrome type 2B. Also called: AUTOIMMUNE LYMPHOPROLIFERATIVE SYNDROME, TYPE IIB. Identifiers: Orphanet 275517, MedGen C1846545, MONDO:0011804, OMIM 607271.

Submission:

Labcorp Genetics (formerly Invitae), Labcorp
Classification: Uncertain significance for Autoimmune lymphoproliferative syndrome type 2B. Last evaluated: 2024-03-01. Review status: criteria provided, single submitter. Criteria: Invitae Variant Classification Sherloc (09022015). Collection method: clinical testing. Allele origin: germline.
Comment: This sequence change replaces serine, which is neutral and polar, with arginine, which is basic and polar, at codon 468 of the CASP8 protein (p.Ser468Arg). This variant is not present in population databases (gnomAD no frequency). This variant has not been reported in the literature in individuals affected with CASP8-related conditions. Advanced modeling of protein sequence and biophysical properties (such as structural, functional, and spatial information, amino acid conservation, physicochemical variation, residue mobility, and thermodynamic stability) performed at Invitae indicates that this missense variant is expected to disrupt CASP8 protein function with a positive predictive value of 80%. In summary, the available evidence is currently insufficient to determine the role of this variant in disease. Therefore, it has been classified as a Variant of Uncertain Significance.